The following is an entry in ClinVar:

ClinVar aggregate classification (germline): Uncertain significance (1 of 4 stars; one submission).

Conditions:
Xanthinuria type II. Also called: Xanthine dehydrogenase and aldehyde oxidase combined deficiency of; XDH and AOX dual deficiency. Identifiers: Orphanet 3467, Orphanet 93602, MedGen C1863688, MONDO:0011346, OMIM 603592.

Allele frequency attached by ClinVar (database versions not stated): ExAC 0.00004; ESP Exome Variant Server 0.00008.
gnomAD v4.1: 46 of 1,614,078 alleles (0.0028%); highest among the groups gnomAD compares: Admixed American, 0.0083%; no homozygotes.

Submission:

Labcorp Genetics (formerly Invitae), Labcorp
Classification: Uncertain significance for Xanthinuria type II. Last evaluated: 2022-02-02. Review status: criteria provided, single submitter. Criteria: Invitae Variant Classification Sherloc (09022015). Collection method: clinical testing. Allele origin: germline.
Comment: This sequence change replaces arginine, which is basic and polar, with cysteine, which is neutral and slightly polar, at codon 183 of the MOCOS protein (p.Arg183Cys). This variant is present in population databases (rs149743314, gnomAD 0.01%). This variant has not been reported in the literature in individuals affected with MOCOS-related conditions. Algorithms developed to predict the effect of missense changes on protein structure and function are either unavailable or do not agree on the potential impact of this missense change (SIFT: "Deleterious"; PolyPhen-2: "Benign"; Align-GVGD: "Class C15"). In summary, the available evidence is currently insufficient to determine the role of this variant in disease. Therefore, it has been classified as a Variant of Uncertain Significance.

NM_017947.4(MOCOS):c.547C>T (p.Arg183Cys)

Gene: MOCOS (molybdenum cofactor sulfurase; plus strand). Cytogenetic location: 18q12.2.
Variant type: single nucleotide variant.
Coding change: c.547C>T on transcript NM_017947.4 (MANE Select); coding-DNA position 547, C replaced by T.
Protein change: p.Arg183Cys; replaces arginine 183 with cysteine.
Molecular consequence: missense variant.
Genome position (GRCh38, 1-based): chr18:36,199,930, C>T. VCF-style: chr18-36199930-C-T. GRCh37 (hg19) VCF-style: chr18-33779893-C-T.
Other names: short protein forms R183C.
Identifiers: ClinVar variation 2070844 (VCV002070844.1), dbSNP rs149743314, ClinGen allele CA8940457.